The following is an entry in ClinVar:

NM_178012.5(TUBB2B):c.482A>C (p.Asp161Ala)

Gene: TUBB2B (tubulin beta 2B class IIb; minus strand). Cytogenetic location: 6p25.2.
Variant type: single nucleotide variant.
Coding change: c.482A>C on transcript NM_178012.5 (MANE Select); coding-DNA position 482, A replaced by C.
Protein change: p.Asp161Ala; replaces aspartic acid 161 with alanine.
Molecular consequence: missense variant.
Genome position (GRCh38, 1-based): chr6:3,225,607, T>G on the plus strand (A>C on the coding strand, the complement: TUBB2B is on the minus strand). VCF-style: chr6-3225607-T-G. GRCh37 (hg19) VCF-style: chr6-3225841-T-G.
Other names: short protein forms D161A.
Identifiers: ClinVar variation 4854751 (VCV004854751.1).

ClinVar aggregate classification (germline): Uncertain significance (1 of 4 stars; one submission).

Conditions:
Complex cortical dysplasia with other brain malformations 7. Identifiers: Orphanet 300573, MedGen C3552236, MONDO:0012399, OMIM 610031.

Submission:

3billion
Classification: Uncertain significance for Complex cortical dysplasia with other brain malformations 7. Last evaluated: 2025-11-13. Review status: criteria provided, single submitter. Criteria: ACMG Guidelines, 2015. Collection method: clinical testing. Allele origin: germline. Affected: yes.
Comment: The variant is not observed in the gnomAD v4.1.0 dataset. Predicted Consequence/Location: Missense variant. Missense changes are a common disease-causing mechanism. In silico tool predictions suggest damaging effect of the variant on gene or gene product [REVEL: 0.73 (>=0.6, sensitivity 0.68 and specificity 0.92); 3Cnet: 0.99 (> 0.75, sensitivity 0.96 and precision 0.92)]. Therefore, this variant is classified as VUS according to the recommendation of ACMG/AMP guideline.